The following is an entry in ClinVar:

NM_007194.4(CHEK2):c.1488del (p.Asp497fs)

Gene: CHEK2 (checkpoint kinase 2; minus strand). Cytogenetic location: 22q12.1.
Variant type: Deletion.
Coding change: c.1488del on transcript NM_007194.4 (MANE Select); coding-DNA position 1488, one base deleted (A; older notation c.1488delA).
Protein change: p.Asp497fs; shifts the reading frame from aspartic acid 497.
Molecular consequence: frameshift variant.
Genome position (GRCh38, 1-based): chr22:28,689,189, T deleted on the plus strand (A on the coding strand, the reverse complement: CHEK2 is on the minus strand); the first of 2 consecutive T bases (chr22:28,689,189-28,689,190); deleting either gives the same sequence. VCF-style (leftmost placement, unchanged base first): chr22-28689188-CT-C. GRCh37 (hg19) VCF-style: chr22-29085176-CT-C.
Other names: c.1616delA, p.Asp540Ilefs (NM_001005735.3); c.824delA, p.Asp276Ilefs (NM_001257387.3); c.1286delA, p.Asp430Ilefs (NM_001349956.3); c.1400delA, p.Asp468Ilefs (NM_145862.3); short protein forms D276fs, D497fs, D468fs, D430fs, D540fs.
Identifiers: ClinVar variation 2747027 (VCV002747027.3), dbSNP rs2517758048, ClinGen allele CA2697552614.

ClinVar aggregate classification (germline): Likely pathogenic (1 of 4 stars; one submission).

Conditions:
Familial cancer of breast. Also called: hereditary breast carcinoma; Hereditary breast cancer; BREAST CANCER, FAMILIAL. Identifiers: Orphanet 227535, MedGen C0346153, MONDO:0016419, OMIM 114480. Disease mechanism: loss of function.

Submission:

Labcorp Genetics (formerly Invitae), Labcorp
Classification: Likely pathogenic for Familial cancer of breast. Last evaluated: 2023-07-26. Review status: criteria provided, single submitter. Criteria: Invitae Variant Classification Sherloc (09022015). Collection method: clinical testing. Allele origin: germline.
Comment: In summary, the currently available evidence indicates that the variant is pathogenic, but additional data are needed to prove that conclusively. Therefore, this variant has been classified as Likely Pathogenic. This variant disrupts the nuclear localization signal (NLS) of the CHEK2 protein, which is critical for proper nuclear localization (PMID: 18004398, 12909615). While functional studies have not been performed to directly test the effect of this variant on CHEK2 protein function, this suggests that disruption of this region of the protein is causative of disease. This variant has not been reported in the literature in individuals affected with CHEK2-related conditions. This variant is not present in population databases (gnomAD no frequency). This sequence change creates a premature translational stop signal (p.Asp497Ilefs*16) in the CHEK2 gene. While this is not anticipated to result in nonsense mediated decay, it is expected to disrupt the last 47 amino acid(s) of the CHEK2 protein.

Literature cited by the submitters: PubMed 18004398; PubMed 12909615.